The following is an entry in ClinVar:

ClinVar aggregate classification (germline): Benign/Likely benign. Review status: criteria provided, multiple submitters, no conflicts (2 of 4 stars). 2 submissions from 2 submitters: Benign (1); Likely benign (1). Last evaluated 2026-01-30.

Allele frequency attached by ClinVar (database versions not stated): gnomAD exomes 0.00049; ESP Exome Variant Server 0.00078; ExAC 0.00091; gnomAD 0.00186 and 0.00200; TOPMed 0.00190; 1000 Genomes Project 30x 0.00219; 1000 Genomes Project 0.00220.
gnomAD v4.1: 652 of 1,551,332 alleles (0.042%); highest among the groups gnomAD compares: African/African-American, 0.63%; no homozygotes.

Submissions (2):

Labcorp Genetics (formerly Invitae), Labcorp
Classification: Benign. Last evaluated: 2026-01-30. Review status: criteria provided, single submitter. Criteria: Invitae Variant Classification Sherloc (09022015). Collection method: clinical testing. Allele origin: germline.

CeGaT Center for Human Genetics Tuebingen
Classification: Likely benign. Last evaluated: 2023-07-01. Review status: criteria provided, single submitter. Criteria: CeGaT Center For Human Genetics Tuebingen Variant Classification Criteria Version 2. Collection method: clinical testing. Allele origin: germline. Affected: yes. Observed: 2 variant alleles.
Comment: DLL1: BP4, BP7

NM_005618.4(DLL1):c.1563C>T (p.Pro521=)

Gene: DLL1 (delta like canonical Notch ligand 1; minus strand). Cytogenetic location: 6q27.
Variant type: single nucleotide variant.
Coding change: c.1563C>T on transcript NM_005618.4 (MANE Select); coding-DNA position 1563, C replaced by T.
Protein change: p.Pro521=; no amino-acid change (proline 521 retained).
Molecular consequence: synonymous variant.
Genome position (GRCh38, 1-based): chr6:170,283,716, G>A on the plus strand (C>T on the coding strand, the complement: DLL1 is on the minus strand). VCF-style: chr6-170283716-G-A. GRCh37 (hg19) VCF-style: chr6-170592804-G-A.
Identifiers: ClinVar variation 719437 (VCV000719437.33), dbSNP rs143575138, ClinGen allele CA4106793.